The following is an entry in ClinVar:

ClinVar aggregate classification (germline): Uncertain significance (1 of 4 stars; one submission).

Conditions:
Monocytopenia with susceptibility to infections. Also called: MONOCYTOPENIA AND MYCOBACTERIAL INFECTION SYNDROME; MONOCYTOPENIA WITH SUSCEPTIBILITY TO MYCOBACTERIAL, FUNGAL, AND PAPILLOMAVIRUS INFECTIONS AND MYELODYSPLASIA; COMBINED IMMUNODEFICIENCY WITH SUSCEPTIBILITY TO MYCOBACTERIAL, VIRAL, AND FUNGAL INFECTIONS; IMMUNODEFICIENCY 21; GATA2 DEFICIENCY; Dendritic cell, monocyte, B lymphocyte, and natural killer lymphocyte deficiency. Identifiers: Orphanet 228423, MedGen C3280030, MONDO:0013607, OMIM 614172.
Deafness-lymphedema-leukemia syndrome. Also called: Emberger syndrome; Lymphedema, primary, with myelodysplasia. Identifiers: Orphanet 3226, MedGen C3279664, MONDO:0013540, OMIM 614038.

Submission:

Labcorp Genetics (formerly Invitae), Labcorp
Classification: Uncertain significance for Monocytopenia with susceptibility to infections; Deafness-lymphedema-leukemia syndrome. Last evaluated: 2019-12-01. Review status: criteria provided, single submitter. Criteria: Invitae Variant Classification Sherloc (09022015). Collection method: clinical testing. Allele origin: germline.
Comment: This variant is not present in population databases (ExAC no frequency). This sequence change replaces alanine with serine at codon 190 of the GATA2 protein (p.Ala190Ser). The alanine residue is weakly conserved and there is a moderate physicochemical difference between alanine and serine. This variant has not been reported in the literature in individuals with GATA2-related conditions. Algorithms developed to predict the effect of missense changes on protein structure and function (SIFT, PolyPhen-2, Align-GVGD) all suggest that this variant is likely to be tolerated, but these predictions have not been confirmed by published functional studies and their clinical significance is uncertain. In summary, the available evidence is currently insufficient to determine the role of this variant in disease. Therefore, it has been classified as a Variant of Uncertain Significance.

NM_032638.5(GATA2):c.568G>T (p.Ala190Ser)

Gene: GATA2 (GATA binding protein 2; minus strand). Cytogenetic location: 3q21.3.
Variant type: single nucleotide variant.
Coding change: c.568G>T on transcript NM_032638.5 (MANE Select); coding-DNA position 568, G replaced by T.
Protein change: p.Ala190Ser; replaces alanine 190 with serine.
Molecular consequence: missense variant.
Genome position (GRCh38, 1-based): chr3:128,486,030, C>A on the plus strand (G>T on the coding strand, the complement: GATA2 is on the minus strand). VCF-style: chr3-128486030-C-A. GRCh37 (hg19) VCF-style: chr3-128204873-C-A.
Other names: c.568G>T, p.Ala190Ser (NM_001145661.2, NM_001145662.1); short protein forms A190S.
Identifiers: ClinVar variation 861454 (VCV000861454.9), dbSNP rs202162468, ClinGen allele CA354406498.